The following is an entry in ClinVar:

NM_000138.5(FBN1):c.6819G>A (p.Met2273Ile)

Gene: FBN1 (fibrillin 1; minus strand). Cytogenetic location: 15q21.1.
Variant type: single nucleotide variant.
Coding change: c.6819G>A on transcript NM_000138.5 (MANE Select); coding-DNA position 6819, G replaced by A.
Protein change: p.Met2273Ile; replaces methionine 2273 with isoleucine.
Molecular consequence: missense variant.
Genome position (GRCh38, 1-based): chr15:48,430,723, C>T on the plus strand (G>A on the coding strand, the complement: FBN1 is on the minus strand). VCF-style: chr15-48430723-C-T. GRCh37 (hg19) VCF-style: chr15-48722920-C-T.
Other names: short protein forms M2273I.
Identifiers: ClinVar variation 450683 (VCV000450683.51), dbSNP rs778027769, ClinGen allele CA057444.

ClinVar aggregate classification (germline): Conflicting classifications of pathogenicity. Review status: criteria provided, conflicting classifications (1 of 4 stars). 9 submissions from 9 submitters: Uncertain significance (5); Benign (1); Likely benign (3). Last evaluated 2025-10-21.

Conditions:
Marfan syndrome (MFS). Also called: MARFAN SYNDROME, TYPE I; Marfan's syndrome; Marfan syndrome, classic; Marfan syndrome type 1; FBN1-Related Marfan Syndrome. Identifiers: Orphanet 284963, Orphanet 558, MedGen C0024796, MONDO:0007947, OMIM 154700.
FBN1-related disorder. Also called: FBN1-related disorders.
Familial thoracic aortic aneurysm and aortic dissection (TAAD). Also called: Thoracic aortic aneurysms and dissections. Identifiers: Orphanet 91387, MedGen C4707243, MONDO:0019625.
Cardiovascular phenotype. Identifiers: MedGen CN230736.

Allele frequency attached by ClinVar (database versions not stated): ExAC 0.00002; gnomAD 0.00003; gnomAD exomes 0.00003 and 0.00007; TOPMed 0.00006.
gnomAD v4.1: 99 of 1,613,798 alleles (0.0061%); highest among the groups gnomAD compares: Non-Finnish European, 0.0078%; no homozygotes.

Submissions (9):

Labcorp Genetics (formerly Invitae), Labcorp
Classification: Benign for Marfan syndrome; Familial thoracic aortic aneurysm and aortic dissection. Last evaluated: 2025-10-21. Review status: criteria provided, single submitter. Criteria: Invitae Variant Classification Sherloc (09022015). Collection method: clinical testing. Allele origin: germline.

PreventionGenetics, part of Exact Sciences
Classification: Likely benign for FBN1-related condition. Last evaluated: 2025-06-30. Review status: criteria provided, single submitter. Criteria: ACMG Guidelines, 2015. Collection method: clinical testing. Allele origin: germline.
Comment: This variant is classified as likely benign based on ACMG/AMP sequence variant interpretation guidelines (Richards et al. 2015 PMID: 25741868, with internal and published modifications).

Molecular Diagnostic Laboratory for Inherited Cardiovascular Disease, Montreal Heart Institute
Classification: Uncertain significance for Cardiovascular phenotype. Last evaluated: 2025-04-09. Review status: criteria provided, single submitter. Criteria: ACMG Guidelines, 2015. Collection method: clinical testing. Allele origin: germline. Affected: yes.

GeneDx
Classification: Uncertain significance. Last evaluated: 2025-01-29. Review status: criteria provided, single submitter. Criteria: GeneDx Variant Classification Process June 2021. Collection method: clinical testing. Allele origin: germline. Affected: yes.
Comment: Has not been previously published as pathogenic or benign to our knowledge; In silico analysis indicates that this missense variant does not alter protein structure/function; Does not affect a cysteine or calcium-binding residue within an EGF-like domain or a TGF-binding protein domain of the FBN1 gene; cysteine substitutions in the EGF-like domains represent the majority of pathogenic missense changes associated with FBN1-related disorders (PMID: 12938084); This variant is associated with the following publications: (PMID: 12938084)

Color Diagnostics, LLC DBA Color Health
Classification: Likely benign for Familial thoracic aortic aneurysm and aortic dissection. Last evaluated: 2024-09-12. Review status: criteria provided, single submitter. Criteria: ACMG Guidelines, 2015. Collection method: clinical testing. Allele origin: germline.

Women's Health and Genetics/Laboratory Corporation of America, LabCorp
Classification: Uncertain significance. Last evaluated: 2023-03-27. Review status: criteria provided, single submitter. Criteria: LabCorp Variant Classification Summary - May 2015. Collection method: clinical testing. Allele origin: germline.
Comment: Variant summary: FBN1 c.6819G>A (p.Met2273Ile) results in a conservative amino acid change located in the EGF-like domain (IPR000742) of the encoded protein sequence. Four of five in-silico tools predict a benign effect of the variant on protein function. The variant allele was found at a frequency of 2.8e-05 in 251276 control chromosomes (gnomAD). The available data on variant occurrences in the general population are insufficient to allow any conclusion about variant significance. To our knowledge, no occurrence of c.6819G>A in individuals affected with Marfan Syndrome and no experimental evidence demonstrating its impact on protein function have been reported. Six clinical diagnostic laboratories have submitted clinical-significance assessments for this variant to ClinVar after 2014 and classified the variant as VUS (n=3) and benign/likely benign (n=3). Based on the evidence outlined above, the variant was classified as uncertain significance.

Ambry Genetics
Classification: Likely benign for Familial thoracic aortic aneurysm and aortic dissection. Last evaluated: 2021-12-07. Review status: criteria provided, single submitter. Criteria: Ambry Variant Classification Scheme 2023. Collection method: clinical testing. Allele origin: germline.

CeGaT Center for Human Genetics Tuebingen
Classification: Uncertain significance. Last evaluated: 2021-03-01. Review status: criteria provided, single submitter. Criteria: CeGaT Center For Human Genetics Tuebingen Variant Classification Criteria Version 2. Collection method: clinical testing. Allele origin: germline. Affected: yes. Observed: 1 variant allele.

Center for Human Genetics, Inc
Classification: Uncertain significance for Marfan syndrome. Last evaluated: 2018-06-01. Review status: criteria provided, single submitter. Criteria: ACMG Guidelines, 2015. Collection method: clinical testing. Allele origin: germline. Affected: yes.